The following is an entry in ClinVar:

ClinVar aggregate classification (germline): Uncertain significance (1 of 4 stars; one submission).

Conditions:
Hereditary cancer-predisposing syndrome. Also called: Neoplastic Syndromes, Hereditary; Tumor predisposition; Hereditary Cancer Syndrome; Hereditary neoplastic syndrome. Identifiers: Orphanet 140162, MedGen C0027672, MeSH D009386, MONDO:0015356.

Submission:

Ambry Genetics
Classification: Uncertain significance for Hereditary cancer-predisposing syndrome. Last evaluated: 2026-04-22. Review status: criteria provided, single submitter. Criteria: Ambry Variant Classification Scheme 2023. Collection method: clinical testing. Allele origin: germline.
Comment: The p.S900G variant (also known as c.2698A>G), located in coding exon 16 of the PTCH1 gene, results from an A to G substitution at nucleotide position 2698. The serine at codon 900 is replaced by glycine, an amino acid with similar properties. This amino acid position is conserved. In addition, the in silico prediction for this alteration is inconclusive. Based on the available evidence, the clinical significance of this variant remains unclear.

NM_000264.5(PTCH1):c.2698A>G (p.Ser900Gly)

Gene: PTCH1 (patched 1; minus strand). Cytogenetic location: 9q22.32.
Variant type: single nucleotide variant.
Coding change: c.2698A>G on transcript NM_000264.5 (MANE Select); coding-DNA position 2698, A replaced by G.
Protein change: p.Ser900Gly; replaces serine 900 with glycine.
Molecular consequence: missense variant. On other transcripts: non-coding transcript variant (1).
Genome position (GRCh38, 1-based): chr9:95,461,861, T>C on the plus strand (A>G on the coding strand, the complement: PTCH1 is on the minus strand). VCF-style: chr9-95461861-T-C. GRCh37 (hg19) VCF-style: chr9-98224143-T-C.
Other names: c.2500A>G, p.Ser834Gly (NM_001083602.3); c.2695A>G, p.Ser899Gly (NM_001083603.3); c.2245A>G, p.Ser749Gly (NM_001083604.3, NM_001083605.3, NM_001083606.3 and 1 more transcripts); c.2542A>G, p.Ser848Gly (NM_001354918.2); short protein forms S749G, S834G, S848G, S899G, S900G.
Identifiers: ClinVar variation 4862623 (VCV004862623.1).